The following is an entry in ClinVar:

NM_001005242.3(PKP2):c.338C>G (p.Ala113Gly)

Gene: PKP2 (plakophilin 2; minus strand). Cytogenetic location: 12p11.21.
Variant type: single nucleotide variant.
Coding change: c.338C>G on transcript NM_001005242.3 (MANE Select); coding-DNA position 338, C replaced by G.
Protein change: p.Ala113Gly; replaces alanine 113 with glycine.
Molecular consequence: missense variant.
Genome position (GRCh38, 1-based): chr12:32,878,542, G>C on the plus strand (C>G on the coding strand, the complement: PKP2 is on the minus strand). VCF-style: chr12-32878542-G-C. GRCh37 (hg19) VCF-style: chr12-33031476-G-C.
Other names: c.338C>G, p.Ala113Gly (NM_001407155.1, NM_001407156.1, NM_001407157.1 and 2 more transcripts); c.11C>G, p.Ala4Gly (NM_001407158.1, NM_001407159.1, NM_001407160.1 and 1 more transcripts); short protein forms A113G, A4G.
Identifiers: ClinVar variation 3071907 (VCV003071907.1), dbSNP rs1326976875, ClinGen allele CA384365515.
Genomic context (GRCh38, chr12:32,878,542, plus strand): 5'-TGGGAGCTGTACTGTGCTGTTCCTCTTCCCCAGCGACCTTCATAAGTGGCAGTTGTGCCA[G>C]CCTGCACATGAGAGAAATAAAGTTTAAAGGGGGCATAAATCAAATTTCAACTTTGCTGAG-3'
Protein context (NP_001005242.2, residues 103-123): PVPKTYDMLK[Ala113Gly]GTTATYEGRW

ClinVar aggregate classification (germline): Uncertain significance (1 of 4 stars; one submission).

Conditions:
Arrhythmogenic right ventricular cardiomyopathy (ARVD). Also called: Arrhythmogenic right ventricular dysplasia; Cardiomyopathy, ARVC; Arrhythmogenic cardiomyopathy; Arrhythmogenic Right Ventricular Cardiomyopathy (ARVC). Identifiers: Orphanet 247, MedGen C0349788, MeSH D019571, MONDO:0016587. Disease mechanism: loss of function. Inheritance: Various modes of inheritance.

Allele frequency attached by ClinVar (database versions not stated): gnomAD 0.00001; TOPMed 0.00001.
gnomAD v4.1: 1 of 1,610,224 alleles (0.000062%); highest among the groups gnomAD compares: Non-Finnish European, 0.000085%; no homozygotes.

Submission:

All of Us Research Program, National Institutes of Health
Classification: Uncertain significance for Arrhythmogenic right ventricular cardiomyopathy. Last evaluated: 2023-06-26. Review status: criteria provided, single submitter. Criteria: ACMG Guidelines, 2015. Collection method: clinical testing. Allele origin: germline. Inheritance: Autosomal dominant inheritance. Observed: 1 variant allele, 1 heterozygote.
Comment: This missense variant replaces alanine with glycine at codon 113 of the PKP2 protein. Computational prediction suggests that this variant may not impact protein structure and function (internally defined REVEL score threshold <= 0.5, PMID: 27666373). To our knowledge, functional studies have not been reported for this variant. This variant has not been reported in individuals affected with PKP2-related disorders in the literature. This variant has not been identified in the general population by the Genome Aggregation Database (gnomAD). The available evidence is insufficient to determine the role of this variant in disease conclusively. Therefore, this variant is classified as a Variant of Uncertain Significance.

This study involves interpretation of variants in research participants for the purpose of population health screening. Participant phenotype was not available at the time of variant classification. Additional details can be found in publication PMID: 35346344, PMCID: PMC8962531